The following is an entry in ClinVar:

NM_000171.4(GLRA1):c.932T>C (p.Ile311Thr)

Gene: GLRA1 (glycine receptor alpha 1; minus strand). Cytogenetic location: 5q33.1.
Variant type: single nucleotide variant.
Coding change: c.932T>C on transcript NM_000171.4 (MANE Select); coding-DNA position 932, T replaced by C.
Protein change: p.Ile311Thr; replaces isoleucine 311 with threonine.
Molecular consequence: missense variant.
Genome position (GRCh38, 1-based): chr5:151,829,048, A>G on the plus strand (T>C on the coding strand, the complement: GLRA1 is on the minus strand). VCF-style: chr5-151829048-A-G. GRCh37 (hg19) VCF-style: chr5-151208609-A-G.
Other names: c.932T>C, p.Ile311Thr (NM_001146040.2); c.683T>C, p.Ile228Thr (NM_001292000.2); short protein forms I311T, I228T.
Identifiers: ClinVar variation 2147406 (VCV002147406.4), dbSNP rs1265138737, ClinGen allele CA361851874.
Genomic context (GRCh38, chr5:151,829,048, plus strand): 5'-GCAGCATATTCTAATAGGGCTGAGAACACAAAGAGCAGGCAAACTGCCATCCAAATGTCA[A>G]TGGCTTTCACATAGGACACCTAGAGTGGGGGTGGAGGAGAAACAGGGAGGTGAAAGCAGG-3'
Protein context (NP_000162.2, residues 301-321): SLPKVSYVKA[Ile311Thr]DIWMAVCLLF

ClinVar aggregate classification (germline): Uncertain significance (1 of 4 stars; one submission).

Conditions:
Hereditary hyperekplexia. Identifiers: Orphanet 3197, MedGen C4084968, MONDO:0021022.

Allele frequency attached by ClinVar (database versions not stated): gnomAD 0.00003; TOPMed 0.00003.
gnomAD v4.1: 6 of 1,613,954 alleles (0.00037%); highest among the groups gnomAD compares: Admixed American, 0.0083%; no homozygotes.

Submission:

Labcorp Genetics (formerly Invitae), Labcorp
Classification: Uncertain significance for Hereditary hyperekplexia. Last evaluated: 2022-07-21. Review status: criteria provided, single submitter. Criteria: Invitae Variant Classification Sherloc (09022015). Collection method: clinical testing. Allele origin: germline.
Comment: This sequence change replaces isoleucine, which is neutral and non-polar, with threonine, which is neutral and polar, at codon 311 of the GLRA1 protein (p.Ile311Thr). This variant is present in population databases (no rsID available, gnomAD 0.003%). This variant has not been reported in the literature in individuals affected with GLRA1-related conditions. Advanced modeling of protein sequence and biophysical properties (such as structural, functional, and spatial information, amino acid conservation, physicochemical variation, residue mobility, and thermodynamic stability) performed at Invitae indicates that this missense variant is expected to disrupt GLRA1 protein function. In summary, the available evidence is currently insufficient to determine the role of this variant in disease. Therefore, it has been classified as a Variant of Uncertain Significance.